The following is an entry in ClinVar:

NM_018429.3(BDP1):c.7354_7356del (p.Pro2452del)

Gene: BDP1 (BDP1 general transcription factor IIIB subunit; plus strand). Cytogenetic location: 5q13.2.
Variant type: Deletion.
Coding change: c.7354_7356del on transcript NM_018429.3 (MANE Select); coding-DNA positions 7354 to 7356, 3 bases deleted (CCT; older notation c.7354_7356delCCT).
Protein change: p.Pro2452del; deletes proline 2452.
Molecular consequence: inframe deletion.
Genome position (GRCh38, 1-based): chr5:71,560,095-71,560,097, CCT deleted; deleting any 3 consecutive bases within chr5:71,560,093-71,560,097 gives the same sequence; the c. name uses the placement nearest the transcript's 3' end. VCF-style (leftmost placement, unchanged base first): chr5-71560092-TCTC-T. GRCh37 (hg19) VCF-style: chr5-70855919-TCTC-T.
Other names: c.7354_7356delCCT (NM_018429.2); short protein forms P2452del.
Identifiers: ClinVar variation 1316518 (VCV001316518.4), dbSNP rs768738373, ClinGen allele CA3297505.

ClinVar aggregate classification (germline): Conflicting classifications of pathogenicity. Review status: criteria provided, conflicting classifications (1 of 4 stars). 3 submissions from 3 submitters: Uncertain significance (1); Likely benign (2). Last evaluated 2026-09-14.

Conditions:
BDP1-related disorder. Also called: BDP1-related condition.

Submissions (3):

PreventionGenetics, part of Exact Sciences
Classification: Likely benign for BDP1-related condition. Last evaluated: 2026-09-14. Review status: criteria provided, single submitter. Criteria: ACMG Guidelines, 2015. Collection method: clinical testing. Allele origin: germline.
Comment: This variant is classified as likely benign based on ACMG/AMP sequence variant interpretation guidelines (Richards et al. 2015 PMID: 25741868, with internal and published modifications).

Blueprint Genetics
Classification: Uncertain significance. Last evaluated: 2024-07-17. Review status: criteria provided, single submitter. Criteria: ACMG Guidelines, 2015. Collection method: clinical testing. Allele origin: germline.

GeneDx
Classification: Likely benign. Last evaluated: 2018-06-22. Review status: criteria provided, single submitter. Criteria: GeneDx Variant Classification Process June 2021. Collection method: clinical testing. Allele origin: germline. Affected: yes.